The following is an entry in ClinVar:

ClinVar aggregate classification (germline): Uncertain significance (1 of 4 stars; one submission).

Conditions:
2-aminoadipic 2-oxoadipic aciduria (AAKAD). Also called: ALPHA-AMINOADIPIC AND ALPHA-KETOADIPIC ACIDURIA; Aminoadipic aciduria. Identifiers: Orphanet 79154, MedGen C1859817, MONDO:0008774, OMIM 204750.

Allele frequency attached by ClinVar (database versions not stated): gnomAD exomes below 0.00001; TOPMed 0.00001.
gnomAD v4.1: 2 of 1,614,048 alleles (0.00012%); highest among the groups gnomAD compares: East Asian, 0.0022%; no homozygotes.

Submission:

Labcorp Genetics (formerly Invitae), Labcorp
Classification: Uncertain significance for 2-aminoadipic 2-oxoadipic aciduria. Last evaluated: 2022-07-26. Review status: criteria provided, single submitter. Criteria: Invitae Variant Classification Sherloc (09022015). Collection method: clinical testing. Allele origin: germline.
Comment: This variant has not been reported in the literature in individuals affected with DHTKD1-related conditions. In summary, the available evidence is currently insufficient to determine the role of this variant in disease. Therefore, it has been classified as a Variant of Uncertain Significance. Algorithms developed to predict the effect of missense changes on protein structure and function (SIFT, PolyPhen-2, Align-GVGD) all suggest that this variant is likely to be disruptive. ClinVar contains an entry for this variant (Variation ID: 1383177). This variant is not present in population databases (gnomAD no frequency). This sequence change replaces tryptophan, which is neutral and slightly polar, with arginine, which is basic and polar, at codon 872 of the DHTKD1 protein (p.Trp872Arg).

NM_018706.7(DHTKD1):c.2614T>C (p.Trp872Arg)

Gene: DHTKD1 (dehydrogenase E1 and transketolase domain containing 1; plus strand). Cytogenetic location: 10p14.
Variant type: single nucleotide variant.
Coding change: c.2614T>C on transcript NM_018706.7 (MANE Select); coding-DNA position 2614, T replaced by C.
Protein change: p.Trp872Arg; replaces tryptophan 872 with arginine.
Molecular consequence: missense variant.
Genome position (GRCh38, 1-based): chr10:12,120,223, T>C. VCF-style: chr10-12120223-T-C. GRCh37 (hg19) VCF-style: chr10-12162222-T-C.
Other names: short protein forms W872R.
Identifiers: ClinVar variation 1383177 (VCV001383177.6), dbSNP rs1021701691, ClinGen allele CA202568131.